The following is an entry in ClinVar:

NM_000260.4(MYO7A):c.617G>A (p.Arg206His)

Gene: MYO7A (myosin VIIA; plus strand). Cytogenetic location: 11q13.5.
Variant type: single nucleotide variant.
Coding change: c.617G>A on transcript NM_000260.4 (MANE Select); coding-DNA position 617, G replaced by A.
Protein change: p.Arg206His; replaces arginine 206 with histidine.
Molecular consequence: missense variant.
Genome position (GRCh38, 1-based): chr11:77,156,886, G>A. VCF-style: chr11-77156886-G-A. GRCh37 (hg19) VCF-style: chr11-76867932-G-A.
Other names: c.617G>A, p.Arg206His (NM_001127180.2); c.584G>A, p.Arg195His (NM_001369365.1); short protein forms R195H, R206H.
Identifiers: ClinVar variation 667283 (VCV000667283.20), dbSNP rs781998354, ClinGen allele CA6197204.

ClinVar aggregate classification (germline): Conflicting classifications of pathogenicity. Review status: criteria provided, conflicting classifications (1 of 4 stars). 9 submissions from 8 submitters: Uncertain significance (7); Benign (1). 1 of the submissions does not count toward it. Last evaluated 2025-12-28.

Conditions:
Usher syndrome type 1 (USH1). Also called: RETINITIS PIGMENTOSA AND CONGENITAL DEAFNESS. Identifiers: Orphanet 231169, Orphanet 886, MedGen C1568247, MONDO:0010168, OMIM 276900.
Autosomal dominant nonsyndromic hearing loss 11. Identifiers: Orphanet 90635, MedGen C1832475, MONDO:0011032, OMIM 601317.
Autosomal recessive nonsyndromic hearing loss 2. Also called: NEUROSENSORY NONSYNDROMIC RECESSIVE DEAFNESS 2; DEAFNESS, AUTOSOMAL RECESSIVE 2. Identifiers: Orphanet 90636, MedGen C1838701, MONDO:0010807, OMIM 600060.
Usher syndrome type 1B (USH1B). Also called: Usher syndrome type IB. Identifiers: MedGen C1848638, MONDO:0700087.
Meniere disease. Also called: Ménière's disease. Identifiers: MedGen C0025281, MONDO:0007972, OMIM 156000.

Allele frequency attached by ClinVar (database versions not stated): gnomAD 0.00010; ExAC 0.00014; TOPMed 0.00018.

Submissions (9):

Labcorp Genetics (formerly Invitae), Labcorp
Classification: Benign. Last evaluated: 2025-12-28. Review status: criteria provided, single submitter. Criteria: Invitae Variant Classification Sherloc (09022015). Collection method: clinical testing. Allele origin: germline.

Meniere Disease Neuroscience Research Program, Faculty of Medicine and Health, Kolling Institute, The University of Sydney
Classification: Uncertain significance for Meniere disease. Last evaluated: 2025-05-25. Review status: criteria provided, single submitter. Criteria: ClinGen HL ACMG Specifications v1. Collection method: research. Allele origin: germline. Affected: yes.
Comment: This variant has an amino acid change at p.Arg206His. This indivial shares mutation chr17:74930450:C>T in the OTOP2 gene.

GeneDx
Classification: Uncertain significance. Last evaluated: 2024-11-13. Review status: criteria provided, single submitter. Criteria: GeneDx Variant Classification Process June 2021. Collection method: clinical testing. Allele origin: germline. Affected: yes.
Comment: Observed with additional variants in a patient with hearing loss in published literature this patient had a paternal family history consistent with autosomal dominant hearing loss but the R206H variant was observed to be maternally inherited (PMID: 28008688); Identified in a patient with hearing loss in published literature; however, additional information was not provided for this patient (PMID: 19299023); In silico analysis supports that this missense variant has a deleterious effect on protein structure/function; This variant is associated with the following publications: (PMID: 15606003, 33724713, 33691693, 19299023, 28008688)

Blueprint Genetics
Classification: Uncertain significance. Last evaluated: 2024-10-11. Review status: criteria provided, single submitter. Criteria: ACMG Guidelines, 2015. Collection method: clinical testing. Allele origin: germline.

Laboratory for Molecular Medicine, Mass General Brigham Personalized Medicine
Classification: Uncertain significance. Last evaluated: 2018-03-07. Review status: criteria provided, single submitter. Criteria: LMM Criteria. Collection method: clinical testing. Allele origin: germline. Observed: 1 variant allele.
Comment: The p.Arg206His variant in MYO7A has been reported in 4 Asian individuals with h earing loss. Three of them did not have another MYO7A variant reported, while th e fourth carried two additional MYO7A variants and the individual's mother with normal hearing also carried the p.Arg206His variant (Hu 2004, Su 2009, Nishio 20 17). This variant has been identified in 0.16% (31/18868) of East Asian chromoso mes by the Genome Aggregation Database (gnomAD ; dbSNP rs781998354). Although this variant has been seen in the general populat ion, its frequency is not high enough to rule out a pathogenic role. Computation al prediction tools and conservation analyses suggest that this variant may impa ct the protein, though this information is not predictive enough to determine pa thogenicity. In summary, the clinical significance of the p.Arg206His variant is uncertain. ACMG/AMP Criteria applied: PP3.

Illumina Laboratory Services, Illumina
Classification: Uncertain significance for Autosomal recessive nonsyndromic hearing loss 2. Last evaluated: 2017-04-27. Review status: criteria provided, single submitter. Criteria: ICSL Variant Classification Criteria 13 December 2019. Collection method: clinical testing. Allele origin: germline.

Illumina Laboratory Services, Illumina
Classification: Uncertain significance for Usher syndrome type 1. Last evaluated: 2017-04-27. Review status: criteria provided, single submitter. Criteria: ICSL Variant Classification Criteria 13 December 2019. Collection method: clinical testing. Allele origin: germline.

Juno Genomics, Hangzhou Juno Genomics, Inc
Classification: Uncertain significance for Autosomal dominant nonsyndromic hearing loss 11; Autosomal recessive nonsyndromic hearing loss 2; Usher syndrome type 1. Review status: criteria provided, single submitter. Criteria: ACMG Guidelines, 2015. Collection method: clinical testing. Allele origin: germline.
Comment: Multiple lines of computational evidence support a deleterious effect on the gene or gene product.

Natera, Inc.
Classification: Uncertain significance for Usher syndrome type 1B. Last evaluated: 2020-09-16. Review status: no assertion criteria provided. Collection method: clinical testing. Allele origin: germline. Not counted in ClinVar's aggregate classification.

Literature cited by the submitters: PubMed 19299023 (cited by Laboratory for Molecular Medicine, Mass General Brigham Personalized Medicine); PubMed 28008688 (cited by Laboratory for Molecular Medicine, Mass General Brigham Personalized Medicine); PubMed 15606003 (cited by Laboratory for Molecular Medicine, Mass General Brigham Personalized Medicine).